The following is an entry in ClinVar:

NM_002439.5(MSH3):c.1028-2A>T

Gene: MSH3 (mutS homolog 3; plus strand). Cytogenetic location: 5q14.1.
Variant type: single nucleotide variant.
Coding change: c.1028-2A>T on transcript NM_002439.5 (MANE Select); the canonical splice acceptor site of the intron before coding-DNA position 1028, A replaced by T.
Molecular consequence: splice acceptor variant.
Genome position (GRCh38, 1-based): chr5:80,674,981, A>T. VCF-style: chr5-80674981-A-T. GRCh37 (hg19) VCF-style: chr5-79970800-A-T.
Identifiers: ClinVar variation 841324 (VCV000841324.10), dbSNP rs1749805306, ClinGen allele CA360267803.
Genomic context (GRCh38, chr5:80,674,981, plus strand): 5'-GAAATTTAGCATATTAGGATTTAGAATTTAGCATATAATTATTTTTCTTTAATTATTATT[A>T]AATGTGAATCCCCTAATCAAGCTGGATGATGCTGTAAATGTTGATGAGATAATGACTGAT-3'

ClinVar aggregate classification (germline): Uncertain significance (1 of 4 stars; one submission).

Submission:

Labcorp Genetics (formerly Invitae), Labcorp
Classification: Uncertain significance. Last evaluated: 2023-04-22. Review status: criteria provided, single submitter. Criteria: Invitae Variant Classification Sherloc (09022015). Collection method: clinical testing. Allele origin: germline.
Comment: This sequence change falls in intron 6 of the MSH3 gene. It does not directly change the encoded amino acid sequence of the MSH3 protein. It affects a nucleotide within the consensus splice site. This variant is not present in population databases (gnomAD no frequency). This variant has not been reported in the literature in individuals affected with MSH3-related conditions. ClinVar contains an entry for this variant (Variation ID: 841324). Variants that disrupt the consensus splice site are a relatively common cause of aberrant splicing (PMID: 17576681, 9536098). In summary, the available evidence is currently insufficient to determine the role of this variant in disease. Therefore, it has been classified as a Variant of Uncertain Significance.

Literature cited by the submitters: PubMed 17576681; PubMed 9536098.